The following is an entry in ClinVar:

ClinVar aggregate classification (germline): Pathogenic (1 of 4 stars; one submission).

Conditions:
Deficiency of 2-methylbutyryl-CoA dehydrogenase (ACADSB). Also called: 2-methylbutyryl-CoA dehydrogenase deficiency; SBCAD deficiency; 2-methylbutyric aciduria; Short branched-chain acyl-CoA dehydrogenase deficiency; 2-methylbutyrylglycinuria. Identifiers: Orphanet 79157, MedGen C1864912, MONDO:0012392, OMIM 610006, HP:0020147.

Submission:

Labcorp Genetics (formerly Invitae), Labcorp
Classification: Pathogenic for Deficiency of 2-methylbutyryl-CoA dehydrogenase. Last evaluated: 2023-08-07. Review status: criteria provided, single submitter. Criteria: Invitae Variant Classification Sherloc (09022015). Collection method: clinical testing. Allele origin: germline.
Comment: For these reasons, this variant has been classified as Pathogenic. This variant has not been reported in the literature in individuals affected with ACADSB-related conditions. This variant is not present in population databases (gnomAD no frequency). This sequence change creates a premature translational stop signal (p.Gly391Glufs*2) in the ACADSB gene. It is expected to result in an absent or disrupted protein product. Loss-of-function variants in ACADSB are known to be pathogenic (PMID: 20547083, 26284228).

Literature cited by the submitters: PubMed 20547083; PubMed 26284228.

NM_001609.4(ACADSB):c.1172del (p.Gly391fs)

Gene: ACADSB (acyl-CoA dehydrogenase short/branched chain; plus strand). Cytogenetic location: 10q26.13.
Variant type: Deletion.
Coding change: c.1172del on transcript NM_001609.4 (MANE Select); coding-DNA position 1172, one base deleted (G; older notation c.1172delG).
Protein change: p.Gly391fs; shifts the reading frame from glycine 391.
Molecular consequence: frameshift variant.
Genome position (GRCh38, 1-based): chr10:123,053,104, G deleted; the last of 6 consecutive G bases (chr10:123,053,099-123,053,104); deleting any one gives the same sequence. VCF-style (leftmost placement, unchanged base first): chr10-123053098-TG-T. GRCh37 (hg19) VCF-style: chr10-124812614-TG-T.
Other names: c.866del, p.Gly289fs (NM_001330174.3); short protein forms G391fs, G289fs.
Identifiers: ClinVar variation 2899530 (VCV002899530.3), dbSNP rs1214542902, ClinGen allele CA2739276039.
Genomic context (GRCh38, chr10:123,053,098, plus strand): 5'-TGATTTGCACTTGCTTTTGGTAGATTGCAGGACAAACAACGAGTAAATGTATCGAGTGGA[TG>T]GGGGGAGTAGGCTACACCAAAGATTACCCTGTGGAGAAATACTTCCGAGATGCAAAGATT-3'